The following is an entry in ClinVar:

ClinVar aggregate classification (germline): Uncertain significance. Review status: criteria provided, multiple submitters, no conflicts (2 of 4 stars). 3 submissions from 3 submitters: Uncertain significance (3). Last evaluated 2025-04-10.

Conditions:
Inborn genetic diseases. Identifiers: MedGen C0950123, MeSH D030342.

Submissions (3):

Ambry Genetics
Classification: Uncertain significance for Inborn genetic diseases. Last evaluated: 2025-04-10. Review status: criteria provided, single submitter. Criteria: Ambry Variant Classification Scheme 2023. Collection method: clinical testing. Allele origin: germline.
Comment: The c.27+4_27+5delGG intronic variant begins 4 nucleotide(s) after coding exon 1 in the DDX41 gene. This variant results from a deletion of 2 nucleotides at positions c.27+4 to c.27+5. This nucleotide region is not well conserved in available vertebrate species. In silico splice site analysis predicts that this alteration will not have any significant effect on splicing. Based on the available evidence, the clinical significance of this variant remains unclear.

Labcorp Genetics (formerly Invitae), Labcorp
Classification: Uncertain significance. Last evaluated: 2024-11-05. Review status: criteria provided, single submitter. Criteria: Invitae Variant Classification Sherloc (09022015). Collection method: clinical testing. Allele origin: germline.
Comment: This sequence change falls in intron 1 of the DDX41 gene. It does not directly change the encoded amino acid sequence of the DDX41 protein. It affects a nucleotide within the consensus splice site. This variant is not present in population databases (gnomAD no frequency). This variant has not been reported in the literature in individuals affected with DDX41-related conditions. Variants that disrupt the consensus splice site are a relatively common cause of aberrant splicing (PMID: 17576681, 9536098). Algorithms developed to predict the effect of sequence changes on RNA splicing suggest that this variant is not likely to affect RNA splicing. In summary, the available evidence is currently insufficient to determine the role of this variant in disease. Therefore, it has been classified as a Variant of Uncertain Significance.

GeneDx
Classification: Uncertain significance. Last evaluated: 2023-06-01. Review status: criteria provided, single submitter. Criteria: GeneDx Variant Classification Process June 2021. Collection method: clinical testing. Allele origin: germline. Affected: yes.
Comment: Not observed at significant frequency in large population cohorts (gnomAD); In silico analysis supports that this variant does not alter splicing; Has not been previously published as pathogenic or benign to our knowledge

Literature cited by the submitters: PubMed 17576681 (cited by Labcorp Genetics (formerly Invitae), Labcorp); PubMed 9536098 (cited by Labcorp Genetics (formerly Invitae), Labcorp).

NM_016222.4(DDX41):c.27+4_27+5del

Gene: DDX41 (DEAD-box helicase 41; minus strand). Cytogenetic location: 5q35.3.
Variant type: Deletion.
Coding change: c.27+4_27+5del on transcript NM_016222.4 (MANE Select); bases 4 to 5 of the intron after coding-DNA position 27, 2 bases deleted (GG; older notation c.27+4_27+5delGG).
Molecular consequence: intron variant.
Genome position (GRCh38, 1-based): chr5:177,516,914-177,516,915, CC deleted on the plus strand (GG on the coding strand, the reverse complement: DDX41 is on the minus strand). VCF-style (leftmost placement, unchanged base first): chr5-177516913-TCC-T. GRCh37 (hg19) VCF-style: chr5-176943914-TCC-T.
Other names: c.-421+4_-421+5del (NM_001321830.2); c.-629+4_-629+5del (NM_001321732.2); c.27+4_27+5delGG (NM_016222.2).
Identifiers: ClinVar variation 3362100 (VCV003362100.4).